The following is an entry in ClinVar:

NM_212482.4(FN1):c.749A>C (p.Asp250Ala)

Gene: FN1 (fibronectin 1; minus strand). Cytogenetic location: 2q35.
Variant type: single nucleotide variant.
Coding change: c.749A>C on transcript NM_212482.4 (MANE Select); coding-DNA position 749, A replaced by C.
Protein change: p.Asp250Ala; replaces aspartic acid 250 with alanine.
Molecular consequence: missense variant.
Genome position (GRCh38, 1-based): chr2:215,428,275, T>G on the plus strand (A>C on the coding strand, the complement: FN1 is on the minus strand). VCF-style: chr2-215428275-T-G. GRCh37 (hg19) VCF-style: chr2-216292998-T-G.
Other names: c.749A>C, p.Asp250Ala (NM_001306129.2, NM_001306130.2, NM_001306131.2 and 14 more transcripts); short protein forms D250A.
Identifiers: ClinVar variation 1347692 (VCV001347692.7), dbSNP rs372163398, ClinGen allele CA2095477.

ClinVar aggregate classification (germline): Uncertain significance. Review status: criteria provided, multiple submitters, no conflicts (2 of 4 stars). 2 submissions from 2 submitters: Uncertain significance (2). Last evaluated 2025-03-31.

Conditions:
Glomerulopathy with fibronectin deposits 2 (GFND2). Identifiers: Orphanet 84090, MedGen C1866075, MONDO:0011165, OMIM 601894.
Spondylometaphyseal dysplasia - Sutcliffe type. Also called: Spondylometaphyseal dysplasia, 'corner fracture' type; Spondylometaphyseal Dysplasia, Corner Fracture Type; Sutcliffe type of spondylometaphyseal dysplasia; Sutcliffe SMD. Identifiers: Orphanet 93315, MedGen C0432221, MONDO:0008479, OMIM 184255.

Allele frequency attached by ClinVar (database versions not stated): gnomAD 0.00001; gnomAD exomes 0.00001 and 0.00002; TOPMed 0.00001; ExAC 0.00002; ESP Exome Variant Server 0.00008.
gnomAD v4.1: 17 of 1,614,006 alleles (0.0011%); highest among the groups gnomAD compares: Admixed American, 0.0067%; no homozygotes.

Submissions (2):

Labcorp Genetics (formerly Invitae), Labcorp
Classification: Uncertain significance. Last evaluated: 2025-03-31. Review status: criteria provided, single submitter. Criteria: Invitae Variant Classification Sherloc (09022015). Collection method: clinical testing. Allele origin: germline.
Comment: This sequence change replaces aspartic acid, which is acidic and polar, with alanine, which is neutral and non-polar, at codon 250 of the FN1 protein (p.Asp250Ala). This variant is present in population databases (rs372163398, gnomAD 0.009%). This variant has not been reported in the literature in individuals affected with FN1-related conditions. ClinVar contains an entry for this variant (Variation ID: 1347692). An algorithm developed to predict the effect of missense changes on protein structure and function (PolyPhen-2) suggests that this variant is likely to be disruptive. In summary, the available evidence is currently insufficient to determine the role of this variant in disease. Therefore, it has been classified as a Variant of Uncertain Significance.

Fulgent Genetics
Classification: Uncertain significance for Spondylometaphyseal dysplasia - Sutcliffe type; Glomerulopathy with fibronectin deposits 2. Last evaluated: 2022-02-01. Review status: criteria provided, single submitter. Criteria: ACMG Guidelines, 2015. Collection method: clinical testing. Allele origin: unknown.